The following is an entry in ClinVar:

ClinVar aggregate classification (germline): Benign/Likely benign. Review status: criteria provided, multiple submitters, no conflicts (2 of 4 stars). 6 submissions from 6 submitters: Benign (4); Likely benign (1). 1 of the submissions does not count toward it. Last evaluated 2026-06-17.

Conditions:
PDGFRA-related disorder. Also called: PDGFRA-related condition.
Polyps, multiple and recurrent inflammatory fibroid, gastrointestinal. Identifiers: MedGen C5193005, MONDO:0008285, OMIM 175510.
Hereditary cancer-predisposing syndrome. Also called: Neoplastic Syndromes, Hereditary; Hereditary Cancer Syndrome; Tumor predisposition; Hereditary neoplastic syndrome. Identifiers: Orphanet 140162, MedGen C0027672, MeSH D009386, MONDO:0015356.
Gastrointestinal stromal tumor. Also called: Gastrointestinal stroma tumor; Gastrointestinal stromal tumor, somatic. Identifiers: Orphanet 44890, MedGen C0238198, MeSH D046152, MONDO:0011719, OMIM 606764, HP:0100723.

Allele frequency attached by ClinVar (database versions not stated): gnomAD exomes 0.00018 and 0.00057; ExAC 0.00070; gnomAD 0.00230 and 0.00246; ESP Exome Variant Server 0.00238; TOPMed 0.00243; 1000 Genomes Project 30x 0.00265; 1000 Genomes Project 0.00280.
gnomAD v4.1: 633 of 1,611,080 alleles (0.039%); highest among the groups gnomAD compares: African/African-American, 0.71%; 3 homozygotes.

Submissions (6):

Myriad Genetics, Inc.
Classification: Benign for Polyps, multiple and recurrent inflammatory fibroid, gastrointestinal. Last evaluated: 2026-06-17. Review status: criteria provided, single submitter. Criteria: Myriad Autosomal Dominant, Autosomal Recessive and X-Linked Classification Criteria (2023). Collection method: clinical testing. Allele origin: unknown.
Comment: This variant is considered benign. This variant is a silent/synonymous amino acid change and it is not expected to impact splicing.

Labcorp Genetics (formerly Invitae), Labcorp
Classification: Benign for Gastrointestinal stromal tumor. Last evaluated: 2026-02-03. Review status: criteria provided, single submitter. Criteria: Invitae Variant Classification Sherloc (09022015). Collection method: clinical testing. Allele origin: germline.

Blueprint Genetics
Classification: Likely benign. Last evaluated: 2024-11-26. Review status: criteria provided, single submitter. Criteria: ACMG Guidelines, 2015. Collection method: clinical testing. Allele origin: germline.

Sema4
Classification: Benign for Hereditary cancer-predisposing syndrome. Last evaluated: 2021-02-01. Review status: criteria provided, single submitter. Criteria: Sema4 Curation Guidelines. Collection method: curation. Allele origin: germline.

Ambry Genetics
Classification: Benign for Hereditary cancer-predisposing syndrome. Last evaluated: 2019-04-03. Review status: criteria provided, single submitter. Criteria: Ambry Variant Classification Scheme 2023. Collection method: clinical testing. Allele origin: germline.

PreventionGenetics, part of Exact Sciences
Classification: Benign for PDGFRA-related condition. Last evaluated: 2019-09-17. Review status: no assertion criteria provided. Collection method: clinical testing. Allele origin: germline. Not counted in ClinVar's aggregate classification.
Comment: This variant is classified as benign based on ACMG/AMP sequence variant interpretation guidelines (Richards et al. 2015 PMID: 25741868, with internal and published modifications).

NM_006206.6(PDGFRA):c.1644T>C (p.Ile548=)

Gene: PDGFRA (platelet derived growth factor receptor alpha; plus strand). Cytogenetic location: 4q12.
Variant type: single nucleotide variant.
Coding change: c.1644T>C on transcript NM_006206.6 (MANE Select); coding-DNA position 1644, T replaced by C.
Protein change: p.Ile548=; no amino-acid change (isoleucine 548 retained).
Molecular consequence: synonymous variant.
Genome position (GRCh38, 1-based): chr4:54,274,616, T>C. VCF-style: chr4-54274616-T-C. GRCh37 (hg19) VCF-style: chr4-55140783-T-C.
Other names: c.1644T>C, p.Ile548= (NM_001347827.2, NM_001347829.2); c.1719T>C, p.Ile573= (NM_001347828.2); c.1683T>C, p.Ile561= (NM_001347830.2); c.1644T>C (NM_006206.5).
Identifiers: ClinVar variation 240312 (VCV000240312.21), dbSNP rs115085731, ClinGen allele CA2922631.